The following is an entry in ClinVar:

ClinVar aggregate classification (germline): Uncertain significance (1 of 4 stars; one submission).

Conditions:
Immunodeficiency. Identifiers: MedGen C0021051, MONDO:0021094, HP:0002721.

Allele frequency attached by ClinVar (database versions not stated): ExAC 0.00001.
gnomAD v4.1: 1 of 1,614,166 alleles (0.000062%); highest among the groups gnomAD compares: South Asian, 0.0011%; no homozygotes.

Submission:

Labcorp Genetics (formerly Invitae), Labcorp
Classification: Uncertain significance for Immunodeficiency. Last evaluated: 2023-02-18. Review status: criteria provided, single submitter. Criteria: Invitae Variant Classification Sherloc (09022015). Collection method: clinical testing. Allele origin: germline.
Comment: In summary, the available evidence is currently insufficient to determine the role of this variant in disease. Therefore, it has been classified as a Variant of Uncertain Significance. An algorithm developed to predict the effect of missense changes on protein structure and function (PolyPhen-2) suggests that this variant is likely to be disruptive. This variant has not been reported in the literature in individuals affected with NFAT5-related conditions. This variant is present in population databases (rs781315982, gnomAD 0.003%). This sequence change replaces leucine, which is neutral and non-polar, with phenylalanine, which is neutral and non-polar, at codon 750 of the NFAT5 protein (p.Leu750Phe).

NM_138713.4(NFAT5):c.2530C>T (p.Leu844Phe)

Gene: NFAT5 (nuclear factor of activated T cells 5; plus strand). Cytogenetic location: 16q22.1.
Variant type: single nucleotide variant.
Coding change: c.2530C>T on transcript NM_138713.4 (MANE Select); coding-DNA position 2530, C replaced by T.
Protein change: p.Leu844Phe; replaces leucine 844 with phenylalanine.
Molecular consequence: missense variant.
Genome position (GRCh38, 1-based): chr16:69,692,355, C>T. VCF-style: chr16-69692355-C-T. GRCh37 (hg19) VCF-style: chr16-69726258-C-T.
Other names: c.2527C>T, p.Leu843Phe (NM_001113178.3); c.1855C>T, p.Leu619Phe (NM_001367709.1); c.2476C>T, p.Leu826Phe (NM_006599.4); c.2248C>T, p.Leu750Phe (NM_138714.4, NM_173214.3, NM_173215.3); short protein forms L619F, L750F, L826F, L843F, L844F.
Identifiers: ClinVar variation 2793845 (VCV002793845.3), dbSNP rs781315982, ClinGen allele CA8135773.